The following is an entry in ClinVar:

NM_001101.5(ACTB):c.124-9C>A

Gene: ACTB (actin beta; minus strand). Cytogenetic location: 7p22.1.
Variant type: single nucleotide variant.
Coding change: c.124-9C>A on transcript NM_001101.5 (MANE Select); 9 bases into the intron before coding-DNA position 124, C replaced by A.
Molecular consequence: intron variant.
Genome position (GRCh38, 1-based): chr7:5,529,409, G>T on the plus strand (C>A on the coding strand, the complement: ACTB is on the minus strand). VCF-style: chr7-5529409-G-T. GRCh37 (hg19) VCF-style: chr7-5569040-G-T.
Identifiers: ClinVar variation 4979242 (VCV004979242.1).
Genomic context (GRCh38, chr7:5,529,409, plus strand): 5'-GGGCCTCGTCGCCCACATAGGAATCCTTCTGACCCATGCCCACCATCACGCCCTGGGAAG[G>T]AAAGGACAAGAAGCCCTGAGCACGGGCGCAGCCCCCACCCCGGAAACCGGGAGGCTCCTG-3'

ClinVar aggregate classification (germline): Likely benign (1 of 4 stars; one submission).

Conditions:
ACTB-related disorder. Also called: ACTB-related condition; ACTB-related disorders.

gnomAD v4.1: 19 of 1,613,908 alleles (0.0012%); highest among the groups gnomAD compares: Non-Finnish European, 0.0015%; no homozygotes.

Submission:

PreventionGenetics, part of Exact Sciences
Classification: Likely benign for ACTB-related condition. Last evaluated: 2025-04-02. Review status: criteria provided, single submitter. Criteria: ACMG Guidelines, 2015. Collection method: clinical testing. Allele origin: germline.
Comment: This variant is classified as likely benign based on ACMG/AMP sequence variant interpretation guidelines (Richards et al. 2015 PMID: 25741868, with internal and published modifications).